The following is an entry in ClinVar:

NM_018993.4(RIN2):c.-20G>A

Gene: RIN2 (Ras and Rab interactor 2; plus strand). Cytogenetic location: 20p11.23.
Variant type: single nucleotide variant.
Coding change: c.-20G>A on transcript NM_018993.4 (MANE Select); 20 bases upstream of the start codon, G replaced by A.
Molecular consequence: 5 prime UTR variant. On other transcripts: missense variant (1).
Genome position (GRCh38, 1-based): chr20:19,889,582, G>A. VCF-style: chr20-19889582-G-A. GRCh37 (hg19) VCF-style: chr20-19870226-G-A.
Other names: c.128G>A (NM_001242581.1); c.128G>A, p.Ser43Asn (NM_001242581.2); c.-565G>A (NM_001378238.1); short protein forms S43N.
Identifiers: ClinVar variation 508228 (VCV000508228.7), dbSNP rs375404772, ClinGen allele CA9779672.

ClinVar aggregate classification (germline): Conflicting classifications of pathogenicity. Review status: criteria provided, conflicting classifications (1 of 4 stars). 3 submissions from 3 submitters: Uncertain significance (2); Likely benign (1). Last evaluated 2026-01-26.

Conditions:
RIN2 syndrome. Also called: TALL FOREHEAD, SPARSE HAIR, SKIN HYPEREXTENSIBILITY, AND SCOLIOSIS; MACS SYNDROME. Identifiers: Orphanet 217335, MedGen C2751321, MONDO:0013115, OMIM 613075.
RIN2-related disorder. Also called: RIN2-related condition.

Allele frequency attached by ClinVar (database versions not stated): ExAC 0.00015; gnomAD 0.00019 and 0.00021; gnomAD exomes 0.00023 and 0.00041; TOPMed 0.00024; ESP Exome Variant Server 0.00051.
gnomAD v4.1: 605 of 1,550,390 alleles (0.039%); highest among the groups gnomAD compares: Non-Finnish European, 0.049%; 1 homozygote.

Submissions (3):

PreventionGenetics, part of Exact Sciences
Classification: Uncertain significance for RIN2-related condition. Last evaluated: 2026-01-26. Review status: criteria provided, single submitter. Criteria: ACMG Guidelines, 2015. Collection method: clinical testing. Allele origin: germline.
Comment: The RIN2 c.128G>A variant is predicted to result in the amino acid substitution p.Ser43Asn. To our knowledge, this variant has not been reported in the literature. This variant is reported in 0.046% of alleles in individuals of European (Non-Finnish) descent in gnomAD. At this time, the clinical significance of this variant is uncertain due to the absence of conclusive functional and genetic evidence.

Labcorp Genetics (formerly Invitae), Labcorp
Classification: Uncertain significance. Last evaluated: 2022-09-23. Review status: criteria provided, single submitter. Criteria: Invitae Variant Classification Sherloc (09022015). Collection method: clinical testing. Allele origin: germline.
Comment: The RIN2 gene has multiple clinically relevant transcripts. This variant occurs in alternate transcript NM_001242581.1, and corresponds to NM_018993.3:c.-20G>A in the primary transcript. This sequence change replaces serine, which is neutral and polar, with asparagine, which is neutral and polar, at codon 43 of the RIN2 protein (p.Ser43Asn). This variant is present in population databases (rs375404772, gnomAD 0.04%). This variant has not been reported in the literature in individuals affected with RIN2-related conditions. ClinVar contains an entry for this variant (Variation ID: 508228). Experimental studies and prediction algorithms are not available or were not evaluated, and the functional significance of this variant is currently unknown. In summary, the available evidence is currently insufficient to determine the role of this variant in disease. Therefore, it has been classified as a Variant of Uncertain Significance.

GeneDx
Classification: Likely benign. Last evaluated: 2018-05-18. Review status: criteria provided, single submitter. Criteria: GeneDx Variant Classification Process June 2021. Collection method: clinical testing. Allele origin: germline. Affected: yes.